The following is an entry in ClinVar:

ClinVar aggregate classification (germline): Uncertain significance. Review status: criteria provided, multiple submitters, no conflicts (2 of 4 stars). 2 submissions from 2 submitters: Uncertain significance (2). Last evaluated 2026-07-07.

Conditions:
Gastrointestinal stromal tumor. Also called: Gastrointestinal stroma tumor; Gastrointestinal stromal tumor, somatic. Identifiers: Orphanet 44890, MedGen C0238198, MeSH D046152, MONDO:0011719, OMIM 606764, HP:0100723.
Hereditary cancer-predisposing syndrome. Also called: Hereditary Cancer Syndrome; Hereditary neoplastic syndrome; Neoplastic Syndromes, Hereditary; Tumor predisposition. Identifiers: Orphanet 140162, MedGen C0027672, MeSH D009386, MONDO:0015356.

Submissions (2):

Ambry Genetics
Classification: Uncertain significance for Hereditary cancer-predisposing syndrome. Last evaluated: 2026-07-07. Review status: criteria provided, single submitter. Criteria: Ambry Variant Classification Scheme 2023. Collection method: clinical testing. Allele origin: germline.
Comment: The p.K881E variant (also known as c.2641A>G), located in coding exon 19 of the KIT gene, results from an A to G substitution at nucleotide position 2641. The lysine at codon 881 is replaced by glutamic acid, an amino acid with similar properties. This amino acid position is conserved. In addition, the in silico prediction for this alteration is inconclusive. Based on the available evidence, the clinical significance of this variant remains unclear.

Labcorp Genetics (formerly Invitae), Labcorp
Classification: Uncertain significance for Gastrointestinal stromal tumor. Last evaluated: 2022-11-23. Review status: criteria provided, single submitter. Criteria: Invitae Variant Classification Sherloc (09022015). Collection method: clinical testing. Allele origin: germline.
Comment: In summary, the available evidence is currently insufficient to determine the role of this variant in disease. Therefore, it has been classified as a Variant of Uncertain Significance. Algorithms developed to predict the effect of missense changes on protein structure and function are either unavailable or do not agree on the potential impact of this missense change (SIFT: "Deleterious"; PolyPhen-2: "Possibly Damaging"; Align-GVGD: "Class C15"). This variant has not been reported in the literature in individuals affected with KIT-related conditions. This variant is not present in population databases (gnomAD no frequency). This sequence change replaces lysine, which is basic and polar, with glutamic acid, which is acidic and polar, at codon 881 of the KIT protein (p.Lys881Glu).

NM_000222.3(KIT):c.2641A>G (p.Lys881Glu)

Gene: KIT (KIT proto-oncogene, receptor tyrosine kinase; plus strand). Cytogenetic location: 4q12.
Variant type: single nucleotide variant.
Coding change: c.2641A>G on transcript NM_000222.3 (MANE Select); coding-DNA position 2641, A replaced by G.
Protein change: p.Lys881Glu; replaces lysine 881 with glutamic acid.
Molecular consequence: missense variant.
Genome position (GRCh38, 1-based): chr4:54,736,765, A>G. VCF-style: chr4-54736765-A-G. GRCh37 (hg19) VCF-style: chr4-55602931-A-G.
Other names: c.2629A>G, p.Lys877Glu (NM_001093772.2, NM_001385292.1); c.2644A>G, p.Lys882Glu (NM_001385284.1); c.2638A>G, p.Lys880Glu (NM_001385285.1); c.2626A>G, p.Lys876Glu (NM_001385286.1); c.2632A>G, p.Lys878Glu (NM_001385288.1); c.2641A>G, p.Lys881Glu (NM_001385290.1); short protein forms K880E, K881E, K876E, K877E, K882E, K878E.
Identifiers: ClinVar variation 2816100 (VCV002816100.4), dbSNP rs2475583761, ClinGen allele CA356913855.